The following is an entry in ClinVar:

NM_020821.3(VPS13C):c.7764T>C (p.Cys2588=)

Gene: VPS13C (vacuolar protein sorting 13 homolog C; minus strand). Cytogenetic location: 15q22.2.
Variant type: single nucleotide variant.
Coding change: c.7764T>C on transcript NM_020821.3 (MANE Select); coding-DNA position 7764, T replaced by C.
Protein change: p.Cys2588=; no amino-acid change (cysteine 2588 retained).
Molecular consequence: synonymous variant.
Genome position (GRCh38, 1-based): chr15:61,917,632, A>G on the plus strand (T>C on the coding strand, the complement: VPS13C is on the minus strand). VCF-style: chr15-61917632-A-G. GRCh37 (hg19) VCF-style: chr15-62209831-A-G.
Other names: c.7764T>C, p.Cys2588= (NM_001018088.3); c.7635T>C, p.Cys2545= (NM_017684.5, NM_018080.4).
Identifiers: ClinVar variation 1552774 (VCV001552774.16), dbSNP rs763721565, ClinGen allele CA7595149.

ClinVar aggregate classification (germline): Likely benign. Review status: criteria provided, multiple submitters, no conflicts (2 of 4 stars). 2 submissions from 2 submitters: Likely benign (2). Last evaluated 2025-06-01.

Allele frequency attached by ClinVar (database versions not stated): ExAC 0.00005; gnomAD exomes 0.00005 and 0.00006; gnomAD 0.00007; TOPMed 0.00007.
gnomAD v4.1: 89 of 1,608,550 alleles (0.0055%); highest among the groups gnomAD compares: Non-Finnish European, 0.0071%; no homozygotes.

Submissions (2):

CeGaT Center for Human Genetics Tuebingen
Classification: Likely benign. Last evaluated: 2025-06-01. Review status: criteria provided, single submitter. Criteria: CeGaT Center For Human Genetics Tuebingen Variant Classification Criteria Version 2. Collection method: clinical testing. Allele origin: germline. Affected: yes. Observed: 1 variant allele.
Comment: VPS13C: BP4, BP7

Labcorp Genetics (formerly Invitae), Labcorp
Classification: Likely benign. Last evaluated: 2024-10-30. Review status: criteria provided, single submitter. Criteria: Invitae Variant Classification Sherloc (09022015). Collection method: clinical testing. Allele origin: germline.